The following is an entry in ClinVar:

NM_000059.4(BRCA2):c.9118-1G>A

Gene: BRCA2 (BRCA2 DNA repair associated; plus strand). Cytogenetic location: 13q13.1.
Variant type: single nucleotide variant.
Coding change: c.9118-1G>A on transcript NM_000059.4 (MANE Select); the canonical splice acceptor site of the intron before coding-DNA position 9118, G replaced by A.
Molecular consequence: splice acceptor variant.
Genome position (GRCh38, 1-based): chr13:32,380,006, G>A. VCF-style: chr13-32380006-G-A. GRCh37 (hg19) VCF-style: chr13-32954143-G-A.
Other names: c.9067-1G>A (NM_001406720.1); c.9022-1G>A (NM_001406719.1); c.4186-1G>A (NM_001406721.1); c.2701-1G>A (NM_001406722.1).
Identifiers: ClinVar variation 267716 (VCV000267716.26), dbSNP rs886040950, ClinGen allele CA10602562.

ClinVar aggregate classification (germline): Pathogenic/Likely pathogenic. Review status: criteria provided, multiple submitters, no conflicts (2 of 4 stars). 7 submissions from 7 submitters: Pathogenic (5); Likely pathogenic (2). Last evaluated 2026-09-08.

Conditions:
Hereditary breast ovarian cancer syndrome. Also called: Hereditary breast and/or ovarian cancer syndrome; Hereditary breast and ovarian cancer; Hereditary breast and ovarian cancer syndrome (HBOC); Breast and ovarian cancer; BRCA1- and BRCA2-Associated Hereditary Breast and Ovarian Cancer; Hereditary breast and ovarian cancer syndrome. Identifiers: Orphanet 145, MedGen C0677776, MeSH D061325, MONDO:0003582. Disease mechanism: loss of function.
Breast-ovarian cancer, familial, susceptibility to, 2 (BROVCA2). Also called: BRCA2 Hereditary Breast and Ovarian Cancer. Identifiers: Orphanet 145, MedGen C2675520, MONDO:0012933, OMIM 612555. Disease mechanism: loss of function.
Hereditary cancer-predisposing syndrome. Also called: Hereditary neoplastic syndrome; Tumor predisposition; Neoplastic Syndromes, Hereditary; Hereditary Cancer Syndrome. Identifiers: Orphanet 140162, MedGen C0027672, MeSH D009386, MONDO:0015356.

Submissions (7):

German Consortium for Hereditary Breast and Ovarian Cancer, University Hospital Cologne
Classification: Likely pathogenic for Hereditary breast ovarian cancer syndrome. Last evaluated: 2026-09-08. Review status: criteria provided, single submitter. Criteria: ClinGen BRCA2 1.2.0. Collection method: curation. Allele origin: germline.
Comment: This classification follows the ClinGen ENIGMA BRCA2 v1.2.0 classification scheme; We chose these criteria: PVS1 (supporting pathogenic): As per VCEP Table 4 - Annotated Exons: Small in-frame predicted, PS3 (strong pathogenic): Sahu (2025, PMID: 39779848), Huang (2025, PMID: 39779857): Pathogenic, PM2 (supporting pathogenic): absent from gnomAD v2/3/4

Ambry Genetics
Classification: Likely pathogenic for Hereditary cancer-predisposing syndrome. Last evaluated: 2026-05-22. Review status: criteria provided, single submitter. Criteria: Ambry Variant Classification Scheme 2023. Collection method: clinical testing. Allele origin: germline.
Comment: The c.9118-1G>A intronic variant results from a G to A substitution one nucleotide upstream from coding exon 23 of the BRCA2 gene. Alterations that disrupt the canonical splice site are expected to result in aberrant splicing. This alteration was identified in 1 of 398 epithelial ovarian cancer patients (Cardoso FC et al. Hum Genomics, 2018 Aug;12:39). Two saturation genome editing-based studies, including a haploid cell-survival assay and a humanized mouse embryonic stem cell line assay of drug response and survival, demonstrate that this nucleotide substitution is non-functional (Huang H et al. Nature. 2025 Feb;638(8050):528-537; Sahu S et al. Nature. 2025 Feb;638(8050):538-545). This nucleotide position is highly conserved in available vertebrate species. In silico splice site analysis predicts that this alteration will weaken the native splice acceptor site and will result in the creation or strengthening of a novel splice acceptor site. RNA studies have demonstrated that this alteration results in abnormal splicing in the set of samples tested (Ambry internal data). This variant is considered to be rare based on population cohorts in the Genome Aggregation Database (gnomAD). Based on the majority of available evidence to date, this variant is likely to be pathogenic.

Labcorp Genetics (formerly Invitae), Labcorp
Classification: Pathogenic for Hereditary breast ovarian cancer syndrome. Last evaluated: 2025-09-21. Review status: criteria provided, single submitter. Criteria: Invitae Variant Classification Sherloc (09022015). Collection method: clinical testing. Allele origin: germline.
Comment: This sequence change affects an acceptor splice site in intron 23 of the BRCA2 gene. It is expected to disrupt RNA splicing. Variants that disrupt the donor or acceptor splice site typically lead to a loss of protein function (PMID: 16199547), and loss-of-function variants in BRCA2 are known to be pathogenic (PMID: 20104584). This variant is not present in population databases (gnomAD no frequency). Disruption of this splice site has been observed in individual(s) with breast cancer and/or ovarian cancer (PMID: 9150152, 30103829). It has also been observed to segregate with disease in related individuals. ClinVar contains an entry for this variant (Variation ID: 267716). Studies have shown that disruption of this splice site alters mRNA splicing and is expected to lead to the loss of protein expression (PMID: 22632462). For these reasons, this variant has been classified as Pathogenic.

ARUP Laboratories, Molecular Genetics and Genomics, ARUP Laboratories
Classification: Pathogenic. Last evaluated: 2021-09-27. Review status: criteria provided, single submitter. Criteria: ARUP Molecular Germline Variant Investigation Process 2021. Collection method: clinical testing. Allele origin: germline.
Comment: The BRCA2 c.9118-1G>A variant (rs886040950) is reported in the literature in at least one individual affected with ovarian cancer (Cardoso 2018). This variant is also reported in ClinVar (Variation ID: 267716), but is absent from the Genome Aggregation Database, indicating it is not a common polymorphism. This variant disrupts the canonical splice acceptor site of intron 23, which is likely to negatively impact gene function. Based on available information, this variant is considered to be pathogenic. References: Cardoso et al. BRCA1 and BRCA2 mutations and clinical interpretation in 398 ovarian cancer patients: comparison with breast cancer variants in a similar population. Hum Genomics. 2018 Aug 13;12(1):39. PMID: 30103829.

Quest Diagnostics Nichols Institute San Juan Capistrano
Classification: Pathogenic. Last evaluated: 2019-10-23. Review status: criteria provided, single submitter. Criteria: Quest Diagnostics criteria. Collection method: clinical testing. Allele origin: unknown.
Comment: The variant disrupts a canonical splice site, and is therefore predicted to result in the loss of a functional protein. Found in at least one patient with expected phenotype for this gene, and not found in general population data.

Eurofins Ntd Llc (ga)
Classification: Pathogenic. Last evaluated: 2016-04-11. Review status: criteria provided, single submitter. Criteria: EGL Classification Definitions 2015. Collection method: clinical testing. Allele origin: germline. Observed: 1 variant allele, 1 heterozygote.

Consortium of Investigators of Modifiers of BRCA1/2 (CIMBA), c/o University of Cambridge
Classification: Pathogenic for Breast-ovarian cancer, familial, susceptibility to, 2. Last evaluated: 2015-10-02. Review status: criteria provided, single submitter. Criteria: CIMBA Mutation Classification guidelines May 2016. Collection method: clinical testing. Allele origin: germline.

Literature cited by the submitters: PubMed 30103829 (cited by 3 submitters); PubMed 16199547 (cited by Labcorp Genetics (formerly Invitae), Labcorp); PubMed 20104584 (cited by Labcorp Genetics (formerly Invitae), Labcorp); PubMed 9150152 (cited by Labcorp Genetics (formerly Invitae), Labcorp); PubMed 22632462 (cited by Labcorp Genetics (formerly Invitae), Labcorp).